The following is an entry in ClinVar:

NM_130849.4(SLC39A4):c.540C>A (p.Gly180=)

Gene: SLC39A4 (solute carrier family 39 member 4; minus strand). Cytogenetic location: 8q24.3.
Variant type: single nucleotide variant.
Coding change: c.540C>A on transcript NM_130849.4 (MANE Select); coding-DNA position 540, C replaced by A.
Protein change: p.Gly180=; no amino-acid change (glycine 180 retained).
Molecular consequence: synonymous variant.
Genome position (GRCh38, 1-based): chr8:144,415,354, G>T on the plus strand (C>A on the coding strand, the complement: SLC39A4 is on the minus strand). VCF-style: chr8-144415354-G-T. GRCh37 (hg19) VCF-style: chr8-145640738-G-T.
Other names: c.540C>A (NM_130849.3); c.258C>A, p.Gly86= (NM_001374839.1); c.465C>A, p.Gly155= (NM_017767.3).
Identifiers: ClinVar variation 1993973 (VCV001993973.6), dbSNP rs201793280, ClinGen allele CA187649964.

ClinVar aggregate classification (germline): Likely benign. Review status: criteria provided, single submitter (1 of 4 stars). 2 submissions from 2 submitters: Likely benign (1). 1 of the submissions does not count toward it. Last evaluated 2022-07-19.

Conditions:
SLC39A4-related disorder. Also called: SLC39A4-related condition.

gnomAD v4.1: 1 of 1,611,082 alleles (0.000062%); highest among the groups gnomAD compares: Non-Finnish European, 0.000085%; no homozygotes.

Submissions (2):

Labcorp Genetics (formerly Invitae), Labcorp
Classification: Likely benign. Last evaluated: 2022-07-19. Review status: criteria provided, single submitter. Criteria: Invitae Variant Classification Sherloc (09022015). Collection method: clinical testing. Allele origin: germline.

PreventionGenetics, part of Exact Sciences
Classification: Likely benign for SLC39A4-related condition. Last evaluated: 2023-09-11. Review status: no assertion criteria provided. Collection method: clinical testing. Allele origin: germline. Not counted in ClinVar's aggregate classification.
Comment: This variant is classified as likely benign based on ACMG/AMP sequence variant interpretation guidelines (Richards et al. 2015 PMID: 25741868, with internal and published modifications).